The following is an entry in ClinVar:

ClinVar aggregate classification (germline): Likely pathogenic (1 of 4 stars; one submission).

Conditions:
Intellectual developmental disorder with speech delay, dysmorphic facies, and t-cell abnormalities. Also called: BCL11B-related BAFopathy. Identifiers: Orphanet 662829, MedGen C4748152, MONDO:0060763, OMIM 618092.

Submission:

3billion
Classification: Likely pathogenic for Intellectual developmental disorder with speech delay, dysmorphic facies, and t-cell abnormalities. Last evaluated: 2023-06-27. Review status: criteria provided, single submitter. Criteria: ACMG Guidelines, 2015. Collection method: clinical testing. Allele origin: germline. Affected: yes.
Comment: The variant is not observed in the gnomAD v2.1.1 dataset. Predicted Consequence/Location: Frameshift: predicted to result in a loss or disruption of normal protein function through nonsense-mediated decay (NMD) or protein truncation. Multiple pathogenic variants are reported downstream of the variant. Therefore, this variant is classified as Likely pathogenic according to the recommendation of ACMG/AMP guideline.

NM_138576.4(BCL11B):c.363dup (p.Asp122fs)

Gene: BCL11B (BCL11 transcription factor B; minus strand). Cytogenetic location: 14q32.2.
Variant type: Duplication.
Coding change: c.363dup on transcript NM_138576.4 (MANE Select); coding-DNA position 363, one base duplicated (C; older notation c.363dupC).
Protein change: p.Asp122fs; shifts the reading frame from aspartic acid 122.
Molecular consequence: frameshift variant.
Genome position (GRCh38, 1-based): chr14:99,257,535, G duplicated on the plus strand (C on the coding strand, the reverse complement: BCL11B is on the minus strand); the first of 5 consecutive G bases (chr14:99,257,535-99,257,539); duplicating any one gives the same sequence. VCF-style (leftmost placement, unchanged base first): chr14-99257534-C-CG. GRCh37 (hg19) VCF-style: chr14-99723871-C-CG.
Other names: c.360dup, p.Asp121fs (NM_001282237.2, NM_001282238.2); c.363dup, p.Asp122fs (NM_022898.3); short protein forms D121fs, D122fs.
Identifiers: ClinVar variation 3775705 (VCV003775705.1).